The following is an entry in ClinVar:

ClinVar aggregate classification (germline): Likely benign (0 of 4 stars; one submission).

Conditions:
GRIP1-related disorder. Also called: GRIP1-related condition.

Allele frequency attached by ClinVar (database versions not stated): gnomAD 0.00001.
gnomAD v4.1: 2 of 1,603,314 alleles (0.00012%); highest among the groups gnomAD compares: African/African-American, 0.0027%; no homozygotes.

Submission:

PreventionGenetics, part of Exact Sciences
Classification: Likely benign for GRIP1-related condition. Last evaluated: 2020-12-16. Review status: no assertion criteria provided. Collection method: clinical testing. Allele origin: germline.
Comment: This variant is classified as likely benign based on ACMG/AMP sequence variant interpretation guidelines (Richards et al. 2015 PMID: 25741868, with internal and published modifications).

NM_001366722.1(GRIP1):c.2628A>C (p.Ala876=)

Gene: GRIP1 (glutamate receptor interacting protein 1; minus strand). Cytogenetic location: 12q14.3.
Variant type: single nucleotide variant.
Coding change: c.2628A>C on transcript NM_001366722.1 (MANE Select); coding-DNA position 2628, A replaced by C.
Protein change: p.Ala876=; no amino-acid change (alanine 876 retained).
Molecular consequence: synonymous variant.
Genome position (GRCh38, 1-based): chr12:66,377,279, T>G on the plus strand (A>C on the coding strand, the complement: GRIP1 is on the minus strand). VCF-style: chr12-66377279-T-G. GRCh37 (hg19) VCF-style: chr12-66771059-T-G.
Other names: c.2472A>C, p.Ala824= (NM_001178074.2, NM_001379351.1, NM_021150.4); c.2547A>C, p.Ala849= (NM_001366723.1, NM_001379348.1); c.2550A>C, p.Ala850= (NM_001366724.1, NM_001379347.1); c.2706A>C, p.Ala902= (NM_001379345.1); c.2628A>C, p.Ala876= (NM_001379346.1); c.2475A>C, p.Ala825= (NM_001379349.1).
Identifiers: ClinVar variation 3031385 (VCV003031385.2), dbSNP rs1592721710, ClinGen allele CA480573532.